The following is an entry in ClinVar:

NM_001365536.1(SCN9A):c.1901G>T (p.Arg634Leu)

Genes: SCN1A-AS1 (SCN1A and SCN9A antisense RNA 1; plus strand), SCN9A (sodium voltage-gated channel alpha subunit 9; minus strand). Cytogenetic location: 2q24.3.
Variant type: single nucleotide variant.
Coding change: c.1901G>T on transcript NM_001365536.1 (MANE Select); coding-DNA position 1901, G replaced by T.
Protein change: p.Arg634Leu; replaces arginine 634 with leucine.
Molecular consequence: missense variant.
Genome position (GRCh38, 1-based): chr2:166,284,526, C>A on the plus strand (G>T on the coding strand, the complement: SCN9A is on the minus strand). VCF-style: chr2-166284526-C-A. GRCh37 (hg19) VCF-style: chr2-167141036-C-A.
Other names: c.1901G>T, p.Arg634Leu (NM_002977.4); short protein forms R634L.
Identifiers: ClinVar variation 471090 (VCV000471090.10), dbSNP rs774510851, ClinGen allele CA59799292.

ClinVar aggregate classification (germline): Uncertain significance. Review status: criteria provided, multiple submitters, no conflicts (2 of 4 stars). 2 submissions from 2 submitters: Uncertain significance (2). Last evaluated 2026-01-29.

Conditions:
SCN9A-related disorder. Also called: SCN9A-related disorders; SCN9A-related condition.
Neuropathy, hereditary sensory and autonomic, type 2A (HSAN2A). Also called: ACROOSTEOLYSIS, NEUROGENIC; ACROOSTEOLYSIS, GIACCAI TYPE; MORVAN DISEASE; NEUROPATHY, CONGENITAL SENSORY; NEUROPATHY, HEREDITARY SENSORY RADICULAR, AUTOSOMAL RECESSIVE; NEUROPATHY, HEREDITARY SENSORY, TYPE IIA. Identifiers: Orphanet 970, MedGen C2752089, MONDO:0024309, OMIM 201300.
Generalized epilepsy with febrile seizures plus, type 7 (GEFSP7). Also called: GEFS+, TYPE 7. Identifiers: Orphanet 36387, MedGen C2751778, MONDO:0013470, OMIM 613863.

gnomAD v4.1: 4 of 1,614,058 alleles (0.00025%); highest among the groups gnomAD compares: Admixed American, 0.005%; no homozygotes.

Submissions (2):

Labcorp Genetics (formerly Invitae), Labcorp
Classification: Uncertain significance for Neuropathy, hereditary sensory and autonomic, type 2A; Generalized epilepsy with febrile seizures plus, type 7. Last evaluated: 2026-01-29. Review status: criteria provided, single submitter. Criteria: Invitae Variant Classification Sherloc (09022015). Collection method: clinical testing. Allele origin: germline.
Comment: This sequence change replaces arginine, which is basic and polar, with leucine, which is neutral and non-polar, at codon 634 of the SCN9A protein (p.Arg634Leu). This variant is not present in population databases (gnomAD no frequency). This variant has not been reported in the literature in individuals affected with SCN9A-related conditions. ClinVar contains an entry for this variant (Variation ID: 471090). Invitae Evidence Modeling of protein sequence and biophysical properties (such as structural, functional, and spatial information, amino acid conservation, physicochemical variation, residue mobility, and thermodynamic stability) indicates that this missense variant is not expected to disrupt SCN9A protein function with a negative predictive value of 95%. In summary, the available evidence is currently insufficient to determine the role of this variant in disease. Therefore, it has been classified as a Variant of Uncertain Significance.

PreventionGenetics, part of Exact Sciences
Classification: Uncertain significance for SCN9A-related condition. Last evaluated: 2023-03-07. Review status: criteria provided, single submitter. Criteria: ACMG Guidelines, 2015. Collection method: clinical testing. Allele origin: germline.
Comment: The SCN9A c.1901G>T variant is predicted to result in the amino acid substitution p.Arg634Leu. To our knowledge, this variant has not been reported in the literature or in a large population database, indicating this variant is rare. At this time, the clinical significance of this variant is uncertain due to the absence of conclusive functional and genetic evidence.